The following is an entry in ClinVar:

ClinVar aggregate classification (germline): Uncertain significance (1 of 4 stars; one submission).

Conditions:
Cardiovascular phenotype. Identifiers: MedGen CN230736.

Submission:

Ambry Genetics
Classification: Uncertain significance for Cardiovascular phenotype. Last evaluated: 2021-10-07. Review status: criteria provided, single submitter. Criteria: Ambry Variant Classification Scheme 2023. Collection method: clinical testing. Allele origin: germline.
Comment: The p.I323T variant (also known as c.968T>C), located in coding exon 8 of the DSC2 gene, results from a T to C substitution at nucleotide position 968. The isoleucine at codon 323 is replaced by threonine, an amino acid with similar properties. This amino acid position is conserved. In addition, this alteration is predicted to be deleterious by in silico analysis. Since supporting evidence is limited at this time, the clinical significance of this alteration remains unclear.

NM_024422.6(DSC2):c.968T>C (p.Ile323Thr)

Gene: DSC2 (desmocollin 2; minus strand). Cytogenetic location: 18q12.1.
Variant type: single nucleotide variant.
Coding change: c.968T>C on transcript NM_024422.6 (MANE Select); coding-DNA position 968, T replaced by C.
Protein change: p.Ile323Thr; replaces isoleucine 323 with threonine.
Molecular consequence: missense variant.
Genome position (GRCh38, 1-based): chr18:31,083,035, A>G on the plus strand (T>C on the coding strand, the complement: DSC2 is on the minus strand). VCF-style: chr18-31083035-A-G. GRCh37 (hg19) VCF-style: chr18-28663001-A-G.
Other names: c.539T>C, p.Ile180Thr (NM_001406506.1, NM_001406507.1); c.968T>C, p.Ile323Thr (NM_004949.5); short protein forms I180T, I323T.
Identifiers: ClinVar variation 1767800 (VCV001767800.2), dbSNP rs2510949003, ClinGen allele CA402110936.
Genomic context (GRCh38, chr18:31,083,035, plus strand): 5'-ATGATACAAGTTGAAGTTGTCTGTAGACCAAAATACTGACCATCCATGTCTTGTACTTTT[A>G]TTTTCAACTGGTACTTGTCAATTAACTGAAAACAAAAAAAGAATTTAATTATTGGGGGAA-3'
Protein context (NP_077740.1, residues 313-333): RELIDKYQLK[Ile323Thr]KVQDMDGQYF